The following is an entry in ClinVar:

NM_001134407.3(GRIN2A):c.812_813del (p.Glu271fs)

Gene: GRIN2A (glutamate ionotropic receptor NMDA type subunit 2A; minus strand). Cytogenetic location: 16p13.2.
Variant type: Microsatellite.
Coding change: c.812_813del on transcript NM_001134407.3 (MANE Select); coding-DNA positions 812 to 813, 2 bases deleted (AG; older notation c.812_813delAG).
Protein change: p.Glu271fs; shifts the reading frame from glutamic acid 271.
Molecular consequence: frameshift variant.
Genome position (GRCh38, 1-based): chr16:9,938,153-9,938,154, CT deleted on the plus strand (AG on the coding strand, the reverse complement: GRIN2A is on the minus strand); deleting any 2 consecutive bases within chr16:9,938,153-9,938,156 gives the same sequence; the c. name uses the placement nearest the transcript's 3' end. VCF-style (leftmost placement, unchanged base first): chr16-9938152-ACT-A. GRCh37 (hg19) VCF-style: chr16-10032009-ACT-A.
Other names: c.812_813del, p.Glu271fs (NM_000833.5, NM_001134408.2); short protein forms E271fs.
Identifiers: ClinVar variation 1069297 (VCV001069297.8), dbSNP rs2141630590, ClinGen allele CA2580613420.
Genomic context (GRCh38, chr16:9,938,152, plus strand): 5'-CTCTCGCCTCCAGGCTGTAGTCCCAGTCATCGTAGGAGACAGAAATGAGTCCCGATGGAA[ACT>A]CTTTTGGGATGAGCTCCGTGTTCCCAGAGACCAAGCTGGGGACAATCCAGAAGAAATCAT-3'

ClinVar aggregate classification (germline): Pathogenic. Review status: criteria provided, multiple submitters, no conflicts (2 of 4 stars). 2 submissions from 2 submitters: Pathogenic (2). Last evaluated 2026-07-09.

Conditions:
Landau-Kleffner syndrome (FESD). Also called: EPILEPSY, FOCAL, WITH SPEECH DISORDER AND WITH OR WITHOUT MENTAL RETARDATION; APHASIA, ACQUIRED, WITH EPILEPSY. Identifiers: Orphanet 1945, Orphanet 725, Orphanet 98818, MedGen C0282512, MONDO:0009509, OMIM 245570.

Submissions (2):

Institute of Human Genetics, University of Leipzig Medical Center
Classification: Pathogenic for Landau-Kleffner syndrome. Last evaluated: 2026-07-09. Review status: criteria provided, single submitter. Criteria: ACMG Guidelines, 2015. Collection method: clinical testing. Allele origin: unknown. Inheritance: Autosomal dominant inheritance. Affected: yes.
Comment: Criteria applied: PVS1,PM2,PS4_SUP

Labcorp Genetics (formerly Invitae), Labcorp
Classification: Pathogenic for Landau-Kleffner syndrome. Last evaluated: 2020-08-02. Review status: criteria provided, single submitter. Criteria: Invitae Variant Classification Sherloc (09022015). Collection method: clinical testing. Allele origin: germline.
Comment: For these reasons, this variant has been classified as Pathogenic. Loss-of-function variants in GRIN2A are known to be pathogenic (PMID: 23933819, 23933820). This variant has not been reported in the literature in individuals with GRIN2A-related conditions. This variant is not present in population databases (ExAC no frequency). This sequence change creates a premature translational stop signal (p.Glu271Valfs*12) in the GRIN2A gene. It is expected to result in an absent or disrupted protein product.

Literature cited by the submitters: PubMed 23933819 (cited by Labcorp Genetics (formerly Invitae), Labcorp); PubMed 23933820 (cited by Labcorp Genetics (formerly Invitae), Labcorp).